The following is an entry in ClinVar:

NM_004082.5(DCTN1):c.2332A>G (p.Thr778Ala)

Gene: DCTN1 (dynactin subunit 1; minus strand). Cytogenetic location: 2p13.1.
Variant type: single nucleotide variant.
Coding change: c.2332A>G on transcript NM_004082.5 (MANE Select); coding-DNA position 2332, A replaced by G.
Protein change: p.Thr778Ala; replaces threonine 778 with alanine.
Molecular consequence: missense variant. On other transcripts: non-coding transcript variant (1).
Genome position (GRCh38, 1-based): chr2:74,366,917, T>C on the plus strand (A>G on the coding strand, the complement: DCTN1 is on the minus strand). VCF-style: chr2-74366917-T-C. GRCh37 (hg19) VCF-style: chr2-74594044-T-C.
Other names: c.2272A>G, p.Thr758Ala (NM_001135040.3); c.1930A>G, p.Thr644Ala (NM_001135041.3, NM_023019.4); c.2221A>G, p.Thr741Ala (NM_001190836.2); c.2311A>G, p.Thr771Ala (NM_001190837.2); c.2281A>G, p.Thr761Ala (NM_001378991.1); c.2263A>G, p.Thr755Ala (NM_001378992.1); short protein forms T755A, T758A, T778A, T644A, T741A, T761A, T771A.
Identifiers: ClinVar variation 2150770 (VCV002150770.4), dbSNP rs779731701, ClinGen allele CA1721868.
Genomic context (GRCh38, chr2:74,366,917, plus strand): 5'-AGAACTGGCGGATGTCACTGCATGAAGTTTCCAGATCCCGGAGCAGGAGGGCAATATCTG[T>C]AGCCTCCTGCCCACCCTACTCAGGAAAAAGAAAATGGATGGAGAACCAAGTTAGCATTAA-3'
Protein context (NP_004073.2, residues 768-788): RAFLQGGQEA[Thr778Ala]DIALLLRDLE

ClinVar aggregate classification (germline): Uncertain significance (1 of 4 stars; one submission).

Conditions:
Amyotrophic lateral sclerosis type 1 (ALS1). Also called: AMYOTROPHIC LATERAL SCLEROSIS 1, FAMILIAL. Identifiers: Orphanet 803, MedGen C1862939, MONDO:0007103, OMIM 105400.
Neuronopathy, distal hereditary motor, type 7B. Also called: Distal Hereditary Motor Neuronopathy Type 7B (dHMN7B); HMN VIIB; LOWER MOTOR NEURON DISEASE, DYNACTIN TYPE; NEURONOPATHY, DISTAL HEREDITARY MOTOR, AUTOSOMAL DOMINANT 14; NEURONOPATHY, DISTAL HEREDITARY MOTOR, HARDING TYPE VIIB; NEUROPATHY, DISTAL HEREDITARY MOTOR, HARDING TYPE VIIB. Identifiers: Orphanet 139589, MedGen C1843315, MONDO:0011879, OMIM 607641.
Perry syndrome. Also called: PARKINSONISM WITH ALVEOLAR HYPOVENTILATION AND MENTAL DEPRESSION. Identifiers: Orphanet 178509, MedGen C1868594, MONDO:0008201, OMIM 168605.

Allele frequency attached by ClinVar (database versions not stated): gnomAD 0.00001; gnomAD exomes 0.00001; ExAC 0.00002.
gnomAD v4.1: 12 of 1,614,084 alleles (0.00074%); highest among the groups gnomAD compares: East Asian, 0.025%; no homozygotes.

Submission:

Labcorp Genetics (formerly Invitae), Labcorp
Classification: Uncertain significance for Amyotrophic lateral sclerosis type 1; Neuronopathy, distal hereditary motor, type 7B; Perry syndrome. Last evaluated: 2022-08-12. Review status: criteria provided, single submitter. Criteria: Invitae Variant Classification Sherloc (09022015). Collection method: clinical testing. Allele origin: germline.
Comment: In summary, the available evidence is currently insufficient to determine the role of this variant in disease. Therefore, it has been classified as a Variant of Uncertain Significance. Algorithms developed to predict the effect of missense changes on protein structure and function output the following: SIFT: "Deleterious"; PolyPhen-2: "Benign"; Align-GVGD: "Class C0". The alanine amino acid residue is found in multiple mammalian species, which suggests that this missense change does not adversely affect protein function. This variant has not been reported in the literature in individuals affected with DCTN1-related conditions. This variant is present in population databases (rs779731701, gnomAD 0.01%). This sequence change replaces threonine, which is neutral and polar, with alanine, which is neutral and non-polar, at codon 778 of the DCTN1 protein (p.Thr778Ala).